The following is an entry in ClinVar:

ClinVar aggregate classification (germline): Pathogenic (1 of 4 stars; one submission).

Conditions:
Mucopolysaccharidosis, MPS-II (MPS2). Also called: Hunter Syndrome; IDURONATE 2-SULFATASE DEFICIENCY; Mucopolysaccharidosis Type II; Mucopolysaccharidosis type 2; Attenuated MPS (subtype; formerly known as mild MPS II); Severe MPS II. Identifiers: Orphanet 580, Orphanet 79388, MedGen C0026705, MONDO:0010674, OMIM 309900.

Submission:

Laboratory of Diagnosis and Therapy of Lysosomal Disorders, University of Padova
Classification: Pathogenic for Mucopolysaccharidosis, MPS-II. Last evaluated: 2024-06-07. Review status: criteria provided, single submitter. Criteria: ACMG Guidelines, 2015. Collection method: literature only. Allele origin: germline. Affected: yes. Observed: 2 variant alleles.
Comment: Null variant (PVS1_VeryStrong), Absent from controls (or at low frequency) in gnomAD database (PM2_Moderate), Patient’s phenotype or family history highly specific for the disease (PP4_Strong)

Classification method: ACMG Guidelines [PMID:25741868] with modifications

Literature cited by the submitters: PubMed 34813777; PubMed 36713083.

NM_000202.8(IDS):c.438_439insTT (p.Asp147fs)

Genes: IDS (iduronate 2-sulfatase; minus strand), LOC106050102 (IDS recombination region; plus strand). Cytogenetic location: Xq28.
Variant type: Insertion.
Coding change: c.438_439insTT on transcript NM_000202.8 (MANE Select); coding-DNA positions 438 to 439, TT inserted.
Protein change: p.Asp147fs; shifts the reading frame from aspartic acid 147.
Molecular consequence: frameshift variant. On other transcripts: non-coding transcript variant (1).
Genome position: GRCh38 VCF-style: chrX-149501017-C-CAA. GRCh37 (hg19) VCF-style: chrX-148582548-C-CAA.
Other names: c.168_169insTT, p.Asp57fs (NM_001166550.4); c.438_439insTT, p.Asp147fs (NM_006123.5); short protein forms D147fs, D57fs.
Identifiers: ClinVar variation 3255726 (VCV003255726.2).